The following is an entry in ClinVar:

NM_016239.4(MYO15A):c.6328G>A (p.Gly2110Arg)

Gene: MYO15A (myosin XVA; plus strand). Cytogenetic location: 17p11.2.
Variant type: single nucleotide variant.
Coding change: c.6328G>A on transcript NM_016239.4 (MANE Select); coding-DNA position 6328, G replaced by A.
Protein change: p.Gly2110Arg; replaces glycine 2110 with arginine.
Molecular consequence: missense variant.
Genome position (GRCh38, 1-based): chr17:18,145,926, G>A. VCF-style: chr17-18145926-G-A. GRCh37 (hg19) VCF-style: chr17-18049240-G-A.
Other names: short protein forms G2110R.
Identifiers: ClinVar variation 451628 (VCV000451628.10), dbSNP rs756396137, ClinGen allele CA8424573.

ClinVar aggregate classification (germline): Conflicting classifications of pathogenicity. Review status: criteria provided, conflicting classifications (1 of 4 stars). 5 submissions from 5 submitters: Likely pathogenic (1); Uncertain significance (4). Last evaluated 2024-07-03.

Conditions:
Autosomal recessive nonsyndromic hearing loss 3. Also called: NEUROSENSORY NONSYNDROMIC RECESSIVE DEAFNESS 3. Identifiers: Orphanet 90636, MedGen C1838263, MONDO:0010860, OMIM 600316.

Allele frequency attached by ClinVar (database versions not stated): gnomAD 0.00001; TOPMed 0.00002.
gnomAD v4.1: 15 of 1,613,478 alleles (0.00093%); highest among the groups gnomAD compares: Admixed American, 0.0067%; no homozygotes.

Submissions (5):

GeneDx
Classification: Uncertain significance. Last evaluated: 2024-07-03. Review status: criteria provided, single submitter. Criteria: GeneDx Variant Classification Process June 2021. Collection method: clinical testing. Allele origin: germline. Affected: yes.
Comment: Reported with a second variant (phase unknown) in unrelated patients with hearing loss referred for genetic testing at GeneDx and in published literature (PMID: 35982127); In silico analysis supports that this missense variant has a deleterious effect on protein structure/function; This variant is associated with the following publications: (PMID: 35982127)

Labcorp Genetics (formerly Invitae), Labcorp
Classification: Uncertain significance. Last evaluated: 2023-12-04. Review status: criteria provided, single submitter. Criteria: Invitae Variant Classification Sherloc (09022015). Collection method: clinical testing. Allele origin: germline.
Comment: This sequence change replaces glycine, which is neutral and non-polar, with arginine, which is basic and polar, at codon 2110 of the MYO15A protein (p.Gly2110Arg). This variant is present in population databases (rs756396137, gnomAD 0.02%). This missense change has been observed in individual(s) with autosomal recessive deafness (PMID: 35982127). ClinVar contains an entry for this variant (Variation ID: 451628). Advanced modeling of protein sequence and biophysical properties (such as structural, functional, and spatial information, amino acid conservation, physicochemical variation, residue mobility, and thermodynamic stability) performed at Invitae indicates that this missense variant is expected to disrupt MYO15A protein function with a positive predictive value of 95%. In summary, the available evidence is currently insufficient to determine the role of this variant in disease. Therefore, it has been classified as a Variant of Uncertain Significance.

Blueprint Genetics
Classification: Uncertain significance. Last evaluated: 2021-11-19. Review status: criteria provided, single submitter. Criteria: ACMG Guidelines, 2015. Collection method: clinical testing. Allele origin: germline.

Fulgent Genetics
Classification: Uncertain significance for Autosomal recessive nonsyndromic hearing loss 3. Last evaluated: 2021-08-16. Review status: criteria provided, single submitter. Criteria: ACMG Guidelines, 2015. Collection method: clinical testing. Allele origin: unknown.

Clinical Genetics Service, Universitary Hospital 12 de Octubre
Classification: Likely pathogenic for Autosomal recessive nonsyndromic hearing loss 3. Review status: criteria provided, single submitter. Criteria: ACMG Guidelines, 2015. Collection method: clinical testing. Allele origin: paternal. Affected: yes.

Literature cited by the submitters: PubMed 35982127 (cited by Labcorp Genetics (formerly Invitae), Labcorp).